The following is an entry in ClinVar:

ClinVar aggregate classification (germline): Uncertain significance. Review status: criteria provided, multiple submitters, no conflicts (2 of 4 stars). 2 submissions from 2 submitters: Uncertain significance (2). Last evaluated 2022-09-22.

Conditions:
Charcot-Marie-Tooth disease axonal type 2C (HMSN2C). Also called: Charcot-Marie-Tooth Disease Type 2, TRPV4-Related (CMT2C); CHARCOT-MARIE-TOOTH DISEASE, AXONAL, AUTOSOMAL DOMINANT, TYPE 2C; Charcot-Marie-Tooth Neuropathy Type 2C. Identifiers: Orphanet 99937, MedGen C1853710, MONDO:0011633, OMIM 606071.

Submissions (2):

Labcorp Genetics (formerly Invitae), Labcorp
Classification: Uncertain significance for Charcot-Marie-Tooth disease axonal type 2C. Last evaluated: 2022-09-22. Review status: criteria provided, single submitter. Criteria: Invitae Variant Classification Sherloc (09022015). Collection method: clinical testing. Allele origin: germline.
Comment: ClinVar contains an entry for this variant (Variation ID: 429687). In summary, the available evidence is currently insufficient to determine the role of this variant in disease. Therefore, it has been classified as a Variant of Uncertain Significance. Advanced modeling of protein sequence and biophysical properties (such as structural, functional, and spatial information, amino acid conservation, physicochemical variation, residue mobility, and thermodynamic stability) performed at Invitae indicates that this missense variant is not expected to disrupt TRPV4 protein function. This variant has not been reported in the literature in individuals affected with TRPV4-related conditions. This variant is not present in population databases (gnomAD no frequency). This sequence change replaces aspartic acid, which is acidic and polar, with glycine, which is neutral and non-polar, at codon 109 of the TRPV4 protein (p.Asp109Gly).

GeneDx
Classification: Uncertain significance. Last evaluated: 2021-12-03. Review status: criteria provided, single submitter. Criteria: GeneDx Variant Classification Process June 2021. Collection method: clinical testing. Allele origin: germline. Affected: yes.
Comment: Not observed at significant frequency in large population cohorts (Lek et al., 2016); In silico analysis supports that this missense variant does not alter protein structure/function; Has not been previously published as pathogenic or benign to our knowledge

NM_021625.5(TRPV4):c.326A>G (p.Asp109Gly)

Gene: TRPV4 (transient receptor potential cation channel subfamily V member 4; minus strand). Cytogenetic location: 12q24.11.
Variant type: single nucleotide variant.
Coding change: c.326A>G on transcript NM_021625.5 (MANE Select); coding-DNA position 326, A replaced by G.
Protein change: p.Asp109Gly; replaces aspartic acid 109 with glycine.
Molecular consequence: missense variant.
Genome position (GRCh38, 1-based): chr12:109,814,471, T>C on the plus strand (A>G on the coding strand, the complement: TRPV4 is on the minus strand). VCF-style: chr12-109814471-T-C. GRCh37 (hg19) VCF-style: chr12-110252276-T-C.
Other names: c.326A>G, p.Asp109Gly (NM_001177428.2, NM_001177433.2, NM_147204.3); c.224A>G, p.Asp75Gly (NM_001177431.2); short protein forms D109G, D75G.
Identifiers: ClinVar variation 429687 (VCV000429687.9), dbSNP rs1131691532, ClinGen allele CA386659978.